The following is an entry in ClinVar:

ClinVar aggregate classification (germline): Uncertain significance (1 of 4 stars; one submission).

Submission:

GeneDx
Classification: Uncertain significance. Last evaluated: 2024-07-26. Review status: criteria provided, single submitter. Criteria: GeneDx Variant Classification Process June 2021. Collection method: clinical testing. Allele origin: germline. Affected: yes.
Comment: Not observed at significant frequency in large population cohorts (gnomAD); In silico analysis indicates that this missense variant does not alter protein structure/function; Has not been previously published as pathogenic or benign to our knowledge

NM_017617.5(NOTCH1):c.4967G>A (p.Gly1656Asp)

Gene: NOTCH1 (notch receptor 1; minus strand). Cytogenetic location: 9q34.3.
Variant type: single nucleotide variant.
Coding change: c.4967G>A on transcript NM_017617.5 (MANE Select); coding-DNA position 4967, G replaced by A.
Protein change: p.Gly1656Asp; replaces glycine 1656 with aspartic acid.
Molecular consequence: missense variant.
Genome position (GRCh38, 1-based): chr9:136,504,724, C>T on the plus strand (G>A on the coding strand, the complement: NOTCH1 is on the minus strand). VCF-style: chr9-136504724-C-T. GRCh37 (hg19) VCF-style: chr9-139399176-C-T.
Other names: short protein forms G1656D.
Identifiers: ClinVar variation 3600552 (VCV003600552.1).